The following is an entry in ClinVar:

ClinVar aggregate classification (germline): Uncertain significance (1 of 4 stars; one submission).

Conditions:
Primary ciliary dyskinesia. Also called: Ciliary dyskinesia. Identifiers: Orphanet 244, MedGen C0008780, MONDO:0016575, HP:0012265.

Allele frequency attached by ClinVar (database versions not stated): gnomAD exomes 0.00002 and 0.00014; gnomAD 0.00004 and 0.00005; TOPMed 0.00005; ExAC 0.00012; 1000 Genomes Project 30x 0.00016; 1000 Genomes Project 0.00020.
gnomAD v4.1: 34 of 1,614,116 alleles (0.0021%); highest among the groups gnomAD compares: East Asian, 0.076%; no homozygotes.

Submission:

Labcorp Genetics (formerly Invitae), Labcorp
Classification: Uncertain significance for Primary ciliary dyskinesia. Last evaluated: 2022-05-21. Review status: criteria provided, single submitter. Criteria: Invitae Variant Classification Sherloc (09022015). Collection method: clinical testing. Allele origin: germline.
Comment: This sequence change replaces serine, which is neutral and polar, with asparagine, which is neutral and polar, at codon 204 of the ZMYND10 protein (p.Ser204Asn). In summary, the available evidence is currently insufficient to determine the role of this variant in disease. Therefore, it has been classified as a Variant of Uncertain Significance. Algorithms developed to predict the effect of missense changes on protein structure and function are either unavailable or do not agree on the potential impact of this missense change (SIFT: "Deleterious"; PolyPhen-2: "Benign"; Align-GVGD: "Class C0"). ClinVar contains an entry for this variant (Variation ID: 577114). This variant has not been reported in the literature in individuals affected with ZMYND10-related conditions. This variant is present in population databases (rs201058230, gnomAD 0.2%).

NM_015896.4(ZMYND10):c.611G>A (p.Ser204Asn)

Gene: ZMYND10 (zinc finger MYND-type containing 10; minus strand). Cytogenetic location: 3p21.31.
Variant type: single nucleotide variant.
Coding change: c.611G>A on transcript NM_015896.4 (MANE Select); coding-DNA position 611, G replaced by A.
Protein change: p.Ser204Asn; replaces serine 204 with asparagine.
Molecular consequence: missense variant. On other transcripts: intron variant (1).
Genome position (GRCh38, 1-based): chr3:50,343,007, C>T on the plus strand (G>A on the coding strand, the complement: ZMYND10 is on the minus strand). VCF-style: chr3-50343007-C-T. GRCh37 (hg19) VCF-style: chr3-50380438-C-T.
Other names: c.599+111G>A (NM_001308379.2); short protein forms S204N.
Identifiers: ClinVar variation 577114 (VCV000577114.6), dbSNP rs201058230, ClinGen allele CA2417147.